The following is an entry in ClinVar:

ClinVar aggregate classification (germline): Pathogenic (1 of 4 stars; one submission).

Conditions:
Retinal macular dystrophy type 2 (MCDR2). Also called: Bull's eye macular dystrophy. Identifiers: Orphanet 319640, MedGen C4749334, MONDO:0011957, OMIM 608051.
Retinitis pigmentosa 41 (RP41). Also called: RETINAL DEGENERATION, AUTOSOMAL RECESSIVE, PROMININ-RELATED. Identifiers: Orphanet 791, MedGen C2677516, MONDO:0012796, OMIM 612095.

Allele frequency attached by ClinVar (database versions not stated): gnomAD exomes below 0.00001; TOPMed below 0.00001.
gnomAD v4.1: 2 of 1,586,032 alleles (0.00013%); highest among the groups gnomAD compares: Non-Finnish European, 0.00017%; no homozygotes.

Submission:

Labcorp Genetics (formerly Invitae), Labcorp
Classification: Pathogenic. Last evaluated: 2019-10-05. Review status: criteria provided, single submitter. Criteria: Invitae Variant Classification Sherloc (09022015). Collection method: clinical testing. Allele origin: germline.
Comment: For these reasons, this variant has been classified as Pathogenic. Nucleotide substitutions within the consensus splice site are a relatively common cause of aberrant splicing (PMID: 17576681, 9536098). Experimental studies have shown that this variant disrupts mRNA splicing (PMID: 30588538). This variant has been observed to segregate with autosomal recessive macular and cone-rod dystrophy in a family (PMID: 30588538). This variant is not present in population databases (ExAC no frequency). This sequence change falls in intron 14 of the PROM1 gene. It does not directly change the encoded amino acid sequence of the PROM1 protein, but it affects a nucleotide within the consensus splice site of the intron.

Literature cited by the submitters: PubMed 17576681 (cited by Labcorp Genetics (formerly Invitae), Labcorp); PubMed 9536098 (cited by Labcorp Genetics (formerly Invitae), Labcorp); PubMed 30588538 (cited by Labcorp Genetics (formerly Invitae), Labcorp).

NM_006017.3(PROM1):c.1682+3A>G

Gene: PROM1 (prominin 1; minus strand). Cytogenetic location: 4p15.32.
Variant type: single nucleotide variant.
Coding change: c.1682+3A>G on transcript NM_006017.3 (MANE Select); 3 bases into the intron after coding-DNA position 1682, A replaced by G.
Molecular consequence: intron variant.
Genome position (GRCh38, 1-based): chr4:15,998,382, T>C on the plus strand (A>G on the coding strand, the complement: PROM1 is on the minus strand). VCF-style: chr4-15998382-T-C. GRCh37 (hg19) VCF-style: chr4-16000005-T-C.
Other names: c.1655+3A>G (NM_001145848.2, NM_001145852.2, NM_001145847.2 and 4 more transcripts); c.1682+3A>G (NM_001145850.2, NM_001145849.2).
Identifiers: ClinVar variation 965933 (VCV000965933.9), dbSNP rs1326022839, ClinGen allele CA549883535.